The following is an entry in ClinVar:

ClinVar aggregate classification (germline): Uncertain significance. Review status: criteria provided, multiple submitters, no conflicts (2 of 4 stars). 4 submissions from 4 submitters: Uncertain significance (4). Last evaluated 2026-02-01.

Conditions:
Epidermolysis bullosa simplex 5B, with muscular dystrophy (EBS5B). Also called: EPIDERMOLYSIS BULLOSA SIMPLEX AND LIMB-GIRDLE MUSCULAR DYSTROPHY; Epidermolysis bullosa simplex with muscular dystrophy. Identifiers: Orphanet 257, MedGen C2931072, MONDO:0009181, OMIM 226670.
Epidermolysis bullosa simplex 5C, with pyloric atresia (EBS5C). Also called: PLEC-Related Epidermolysis Bullosa with Pyloric Atresia; Epidermolysis bullosa simplex with pyloric atresia; PLEC1-Related Epidermolysis Bullosa with Pyloric Atresia. Identifiers: Orphanet 158684, MedGen C2677349, MONDO:0012807, OMIM 612138.
Autosomal recessive limb-girdle muscular dystrophy type 2Q (LGMDR17). Also called: MUSCULAR DYSTROPHY, LIMB-GIRDLE, AUTOSOMAL RECESSIVE 17. Identifiers: Orphanet 254361, MedGen C3150989, MONDO:0013390, OMIM 613723.
Epidermolysis bullosa simplex with nail dystrophy (EBS5D). Identifiers: MedGen C4225309, MONDO:0014661, OMIM 616487.
Epidermolysis bullosa simplex, Ogna type (EBS5A). Also called: Pidermolysis bullosa simplex 5A, Ogna type; EPIDERMOLYSIS BULLOSA SIMPLEX 5A, OGNA TYPE. Identifiers: Orphanet 79401, MedGen C0432317, MONDO:0007555, OMIM 131950.

Allele frequency attached by ClinVar (database versions not stated): gnomAD exomes 0.00002 and 0.00003; ExAC 0.00003; gnomAD 0.00004; TOPMed 0.00009.
gnomAD v4.1: 40 of 1,599,848 alleles (0.0025%); highest among the groups gnomAD compares: African/African-American, 0.0081%; no homozygotes.

Submissions (4):

CeGaT Center for Human Genetics Tuebingen
Classification: Uncertain significance. Last evaluated: 2026-02-01. Review status: criteria provided, single submitter. Criteria: CeGaT Center For Human Genetics Tuebingen Variant Classification Criteria Version 2. Collection method: clinical testing. Allele origin: germline. Affected: yes. Observed: 1 variant allele.
Comment: PLEC: PM2, PP3

Labcorp Genetics (formerly Invitae), Labcorp
Classification: Uncertain significance for Autosomal recessive limb-girdle muscular dystrophy type 2Q; Epidermolysis bullosa simplex, Ogna type; Epidermolysis bullosa simplex with nail dystrophy; Epidermolysis bullosa simplex 5C, with pyloric atresia; Epidermolysis bullosa simplex 5B, with muscular dystrophy. Last evaluated: 2025-10-17. Review status: criteria provided, single submitter. Criteria: Invitae Variant Classification Sherloc (09022015). Collection method: clinical testing. Allele origin: germline.
Comment: This sequence change replaces arginine, which is basic and polar, with cysteine, which is neutral and slightly polar, at codon 4521 of the PLEC protein (p.Arg4521Cys). This variant is present in population databases (rs782402134, gnomAD 0.02%). This variant has not been reported in the literature in individuals affected with PLEC-related conditions. ClinVar contains an entry for this variant (Variation ID: 1193709). Invitae Evidence Modeling of protein sequence and biophysical properties (such as structural, functional, and spatial information, amino acid conservation, physicochemical variation, residue mobility, and thermodynamic stability) has been performed for this missense variant. However, the output from this modeling did not meet the statistical confidence thresholds required to predict the impact of this variant on PLEC protein function. In summary, the available evidence is currently insufficient to determine the role of this variant in disease. Therefore, it has been classified as a Variant of Uncertain Significance.

GeneDx
Classification: Uncertain significance. Last evaluated: 2025-03-22. Review status: criteria provided, single submitter. Criteria: GeneDx Variant Classification Process June 2021. Collection method: clinical testing. Allele origin: germline. Affected: yes.
Comment: In silico analysis supports that this missense variant has a deleterious effect on protein structure/function; Missense variant in a gene in which most reported pathogenic variants are truncating/loss of function; Has not been previously published as pathogenic or benign to our knowledge

Blueprint Genetics
Classification: Uncertain significance. Last evaluated: 2024-02-27. Review status: criteria provided, single submitter. Criteria: ACMG Guidelines, 2015. Collection method: clinical testing. Allele origin: germline.

NM_201384.3(PLEC):c.13480C>T (p.Arg4494Cys)

Gene: PLEC (plectin; minus strand). Cytogenetic location: 8q24.3.
Variant type: single nucleotide variant.
Coding change: c.13480C>T on transcript NM_201384.3 (MANE Select); coding-DNA position 13480, C replaced by T.
Protein change: p.Arg4494Cys; replaces arginine 4494 with cysteine.
Molecular consequence: missense variant.
Genome position (GRCh38, 1-based): chr8:143,916,341, G>A on the plus strand (C>T on the coding strand, the complement: PLEC is on the minus strand). VCF-style: chr8-143916341-G-A. GRCh37 (hg19) VCF-style: chr8-144990509-G-A.
Other names: c.13561C>T, p.Arg4521Cys (NM_000445.5); c.13438C>T, p.Arg4480Cys (NM_201378.4); c.13414C>T, p.Arg4472Cys (NM_201379.3); c.13891C>T, p.Arg4631Cys (NM_201380.4); c.13384C>T, p.Arg4462Cys (NM_201381.3); c.13480C>T, p.Arg4494Cys (NM_201382.4); c.13492C>T, p.Arg4498Cys (NM_201383.3); short protein forms R4462C, R4472C, R4480C, R4494C, R4498C, R4521C, R4631C.
Identifiers: ClinVar variation 1193709 (VCV001193709.16), dbSNP rs782402134, ClinGen allele CA4923789.